The following is an entry in ClinVar:

NM_001148.6(ANK2):c.85-3C>T

Gene: ANK2 (ankyrin 2; plus strand). Cytogenetic location: 4q25.
Variant type: single nucleotide variant.
Coding change: c.85-3C>T on transcript NM_001148.6 (MANE Select); 3 bases into the intron before coding-DNA position 85, C replaced by T.
Molecular consequence: intron variant. On other transcripts: nonsense (4).
Genome position (GRCh38, 1-based): chr4:113,174,413, C>T. VCF-style: chr4-113174413-C-T. GRCh37 (hg19) VCF-style: chr4-114095569-C-T.
Other names: c.70C>T, p.Gln24Ter (NM_001354269.3, NM_001386148.2, NM_001386186.2 and 1 more transcripts); c.67-3C>T (NM_001386147.1, NM_001386160.1, NM_001354261.2); c.22-3C>T (NM_001354254.2, NM_001354239.2, NM_001354252.2 and 33 more transcripts); c.130-3C>T (NM_001354241.2, NM_001386152.1, NM_001354237.2 and 5 more transcripts); c.85-3C>T (NM_001354225.2, NM_001354235.2, NM_001354246.2 and 9 more transcripts); c.136-3C>T (NM_001386174.1, NM_001386175.1); short protein forms Q24*.
Identifiers: ClinVar variation 1763783 (VCV001763783.3), dbSNP rs1257341725, ClinGen allele CA554097322.

ClinVar aggregate classification (germline): Uncertain significance. Review status: criteria provided, multiple submitters, no conflicts (2 of 4 stars). 2 submissions from 2 submitters: Uncertain significance (2). Last evaluated 2026-01-06.

Conditions:
Long QT syndrome (LQTS). Identifiers: MedGen C0023976, MeSH D008133, MONDO:0002442. Disease mechanism: loss of function. Inheritance: Various modes of inheritance.
Cardiovascular phenotype. Identifiers: MedGen CN230736.

Allele frequency attached by ClinVar (database versions not stated): gnomAD exomes below 0.00001; TOPMed 0.00001.
gnomAD v4.1: 2 of 1,610,282 alleles (0.00012%); highest among the groups gnomAD compares: South Asian, 0.0011%; no homozygotes.

Submissions (2):

Labcorp Genetics (formerly Invitae), Labcorp
Classification: Uncertain significance for Long QT syndrome. Last evaluated: 2026-01-06. Review status: criteria provided, single submitter. Criteria: Invitae Variant Classification Sherloc (09022015). Collection method: clinical testing. Allele origin: germline.
Comment: This sequence change falls in intron 1 of the ANK2 gene. It does not directly change the encoded amino acid sequence of the ANK2 protein. It affects a nucleotide within the consensus splice site. This variant is present in population databases (no rsID available, gnomAD 0.003%). This variant has not been reported in the literature in individuals affected with ANK2-related conditions. ClinVar contains an entry for this variant (Variation ID: 1763783). Variants that disrupt the consensus splice site are a relatively common cause of aberrant splicing (PMID: 17576681, 9536098). Algorithms developed to predict the effect of sequence changes on RNA splicing suggest that this variant is not likely to affect RNA splicing. In summary, the available evidence is currently insufficient to determine the role of this variant in disease. Therefore, it has been classified as a Variant of Uncertain Significance.

Ambry Genetics
Classification: Uncertain significance for Cardiovascular phenotype. Last evaluated: 2021-06-03. Review status: criteria provided, single submitter. Criteria: Ambry Variant Classification Scheme 2023. Collection method: clinical testing. Allele origin: germline.
Comment: The c.85-3C>T intronic variant results from a C to T substitution 3 nucleotides upstream from coding exon 2 in the ANK2 gene. This nucleotide position is well conserved in available vertebrate species. In silico splice site analysis predicts that this alteration will not have any significant effect on splicing. Since supporting evidence is limited at this time, the clinical significance of this alteration remains unclear.

Literature cited by the submitters: PubMed 17576681 (cited by Labcorp Genetics (formerly Invitae), Labcorp); PubMed 9536098 (cited by Labcorp Genetics (formerly Invitae), Labcorp).